The following is an entry in ClinVar:

ClinVar aggregate classification (germline): Uncertain significance. Review status: criteria provided, multiple submitters, no conflicts (2 of 4 stars). 8 submissions from 8 submitters: Uncertain significance (8). Last evaluated 2025-04-24.

Conditions:
Cerebroretinal microangiopathy with calcifications and cysts 1 (CRMCC1). Identifiers: Orphanet 313838, MedGen C4552029, MONDO:0024564, OMIM 612199.
Dyskeratosis congenita. Identifiers: Orphanet 1775, MedGen C0265965, MONDO:0015780.
Inborn genetic diseases. Identifiers: MedGen C0950123, MeSH D030342.

Allele frequency attached by ClinVar (database versions not stated): gnomAD exomes 0.00004 and 0.00006; ExAC 0.00005; gnomAD 0.00005 and 0.00006; ESP Exome Variant Server 0.00008; TOPMed 0.00009.
gnomAD v4.1: 71 of 1,613,462 alleles (0.0044%); highest among the groups gnomAD compares: Admixed American, 0.0083%; no homozygotes.

Submissions (8):

Ambry Genetics
Classification: Uncertain significance for Inborn genetic diseases. Last evaluated: 2025-04-24. Review status: criteria provided, single submitter. Criteria: Ambry Variant Classification Scheme 2023. Collection method: clinical testing. Allele origin: germline.

Labcorp Genetics (formerly Invitae), Labcorp
Classification: Uncertain significance for Dyskeratosis congenita. Last evaluated: 2024-11-22. Review status: criteria provided, single submitter. Criteria: Invitae Variant Classification Sherloc (09022015). Collection method: clinical testing. Allele origin: germline.
Comment: This sequence change replaces arginine, which is basic and polar, with tryptophan, which is neutral and slightly polar, at codon 653 of the CTC1 protein (p.Arg653Trp). This variant is present in population databases (rs200222583, gnomAD 0.08%). This variant has not been reported in the literature in individuals affected with CTC1-related conditions. ClinVar contains an entry for this variant (Variation ID: 326075). Invitae Evidence Modeling of protein sequence and biophysical properties (such as structural, functional, and spatial information, amino acid conservation, physicochemical variation, residue mobility, and thermodynamic stability) indicates that this missense variant is not expected to disrupt CTC1 protein function with a negative predictive value of 80%. In summary, the available evidence is currently insufficient to determine the role of this variant in disease. Therefore, it has been classified as a Variant of Uncertain Significance.

Blueprint Genetics
Classification: Uncertain significance. Last evaluated: 2024-08-28. Review status: criteria provided, single submitter. Criteria: ACMG Guidelines, 2015. Collection method: clinical testing. Allele origin: germline.

Fulgent Genetics
Classification: Uncertain significance for Cerebroretinal microangiopathy with calcifications and cysts 1. Last evaluated: 2024-06-21. Review status: criteria provided, single submitter. Criteria: ACMG Guidelines, 2015. Collection method: clinical testing. Allele origin: germline.

Sema4
Classification: Uncertain significance for Dyskeratosis congenita. Last evaluated: 2021-07-21. Review status: criteria provided, single submitter. Criteria: Sema4 Curation Guidelines. Collection method: curation. Allele origin: germline.
Comment: The CTC1 c.1957C>T (p.R653W) variant has not been reported in the literature to our knowledge. It was observed in 8/10276 chromosomes in the Ashkenazi Jewish subpopulation in the large and broad cohorts of the Genome Aggregation Database (PMID: 32461654). The variant has been reported in ClinVar (Variation ID: 326075). Functional studies have not been performed and in silico tool predictions of the variants effect on protein function are inconclusive. The evidence is insufficient to meet ACMG/AMP criteria for classifying the variant as benign or pathogenic. Thus, the clinical significance of this variant is currently uncertain.

Genome-Nilou Lab
Classification: Uncertain significance for Cerebroretinal microangiopathy with calcifications and cysts 1. Last evaluated: 2021-07-15. Review status: criteria provided, single submitter. Criteria: ACMG Guidelines, 2015. Collection method: clinical testing. Allele origin: germline. Affected: no.

Illumina Laboratory Services, Illumina
Classification: Uncertain significance for Dyskeratosis congenita. Last evaluated: 2018-01-13. Review status: criteria provided, single submitter. Criteria: ICSL Variant Classification Criteria 13 December 2019. Collection method: clinical testing. Allele origin: germline.

CeGaT Center for Human Genetics Tuebingen
Classification: Uncertain significance. Last evaluated: 2017-01-01. Review status: criteria provided, single submitter. Criteria: CeGaT Center For Human Genetics Tuebingen Variant Classification Criteria Version 2. Collection method: clinical testing. Allele origin: germline. Affected: yes. Observed: 1 variant allele.

NM_025099.6(CTC1):c.1957C>T (p.Arg653Trp)

Gene: CTC1 (CST telomere replication complex component 1; minus strand). Cytogenetic location: 17p13.1.
Variant type: single nucleotide variant.
Coding change: c.1957C>T on transcript NM_025099.6 (MANE Select); coding-DNA position 1957, C replaced by T.
Protein change: p.Arg653Trp; replaces arginine 653 with tryptophan.
Molecular consequence: missense variant. On other transcripts: non-coding transcript variant (1).
Genome position (GRCh38, 1-based): chr17:8,232,464, G>A on the plus strand (C>T on the coding strand, the complement: CTC1 is on the minus strand). VCF-style: chr17-8232464-G-A. GRCh37 (hg19) VCF-style: chr17-8135782-G-A.
Other names: short protein forms R653W.
Identifiers: ClinVar variation 326075 (VCV000326075.58), dbSNP rs200222583, ClinGen allele CA8372214.